The following is an entry in ClinVar:

NM_014244.5(ADAMTS2):c.2465del (p.Pro822fs)

Gene: ADAMTS2 (ADAM metallopeptidase with thrombospondin type 1 motif 2; minus strand). Cytogenetic location: 5q35.3.
Variant type: Deletion.
Coding change: c.2465del on transcript NM_014244.5 (MANE Select); coding-DNA position 2465, one base deleted (C; older notation c.2465delC).
Protein change: p.Pro822fs; shifts the reading frame from proline 822.
Molecular consequence: frameshift variant.
Genome position (GRCh38, 1-based): chr5:179,128,111, G deleted on the plus strand (C on the coding strand, the reverse complement: ADAMTS2 is on the minus strand); the first of 3 consecutive G bases (chr5:179,128,111-179,128,113); deleting any one gives the same sequence. VCF-style (leftmost placement, unchanged base first): chr5-179128110-CG-C. GRCh37 (hg19) VCF-style: chr5-178555111-CG-C.
Other names: short protein forms P822fs.
Identifiers: ClinVar variation 4815614 (VCV004815614.1).

ClinVar aggregate classification (germline): Likely pathogenic (1 of 4 stars; one submission).

Conditions:
Ehlers-Danlos syndrome, dermatosparaxis type. Also called: Ehlers-Danlos syndrome, type VII, autosomal recessive; EDS VIIC; Dermatosparaxis. Identifiers: Orphanet 1901, MedGen C2700425, MONDO:0009161, OMIM 225410.

Submission:

Natera, Inc.
Classification: Likely pathogenic for Ehlers-Danlos syndrome type VIIC. Last evaluated: 2024-05-31. Review status: criteria provided, single submitter. Criteria: Natera Variant Classification Schema (03/2026). Collection method: clinical testing. Allele origin: germline.
Comment: The c.2465del variant in ADAMTS2 is a frameshift variant predicted to shift the reading frame beginning at codon 822 and leads to a stop codon 9 codons downstream. This variant is expected to result in nonsense mediated decay, truncation, or a dysfunctional protein product. This variant is rare in the general population with a frequency below the threshold expected for the associated phenotype(s). Given the available evidence, this variant is classified as Likely Pathogenic.